The following is an entry in ClinVar:

NM_001256071.3(RNF213):c.4031A>G (p.Lys1344Arg)

Gene: RNF213 (ring finger protein 213; plus strand). Cytogenetic location: 17q25.3.
Variant type: single nucleotide variant.
Coding change: c.4031A>G on transcript NM_001256071.3 (MANE Select); coding-DNA position 4031, A replaced by G.
Protein change: p.Lys1344Arg; replaces lysine 1344 with arginine.
Molecular consequence: missense variant.
Genome position (GRCh38, 1-based): chr17:80,332,519, A>G. VCF-style: chr17-80332519-A-G. GRCh37 (hg19) VCF-style: chr17-78306319-A-G.
Other names: short protein forms K1344R.
Identifiers: ClinVar variation 1320372 (VCV001320372.2), dbSNP rs2046444243, ClinGen allele CA401382107.

ClinVar aggregate classification (germline): Uncertain significance (1 of 4 stars; one submission).

Allele frequency attached by ClinVar (database versions not stated): gnomAD exomes below 0.00001; gnomAD 0.00001.
gnomAD v4.1: 4 of 1,537,082 alleles (0.00026%); highest among the groups gnomAD compares: East Asian, 0.0073%; no homozygotes.

Submission:

GeneDx
Classification: Uncertain significance. Last evaluated: 2020-07-14. Review status: criteria provided, single submitter. Criteria: GeneDx Variant Classification Process June 2021. Collection method: clinical testing. Allele origin: germline. Affected: yes.
Comment: Not observed in large population cohorts (Lek et al., 2016); In silico analysis supports that this missense variant does not alter protein structure/function; Has not been previously published as pathogenic or benign to our knowledge